The following is an entry in ClinVar:

ClinVar aggregate classification (germline): Uncertain significance. Review status: criteria provided, multiple submitters, no conflicts (2 of 4 stars). 2 submissions from 2 submitters: Uncertain significance (2). Last evaluated 2022-08-16.

Conditions:
Muscular dystrophy-dystroglycanopathy type B6 (MDDGB6). Also called: MUSCULAR DYSTROPHY-DYSTROGLYCANOPATHY (CONGENITAL WITH IMPAIRED INTELLECTUAL DEVELOPMENT), TYPE B, 6; MUSCULAR DYSTROPHY, CONGENITAL, LARGE-RELATED; MUSCULAR DYSTROPHY, CONGENITAL, TYPE 1D. Identifiers: MedGen C1837229, MONDO:0012138, OMIM 608840.

Allele frequency attached by ClinVar (database versions not stated): ExAC 0.00001; gnomAD exomes 0.00001 and 0.00002; TOPMed 0.00009; gnomAD 0.00010 and 0.00011.
gnomAD v4.1: 29 of 1,614,150 alleles (0.0018%); highest among the groups gnomAD compares: African/African-American, 0.029%; no homozygotes.

Submissions (2):

Labcorp Genetics (formerly Invitae), Labcorp
Classification: Uncertain significance for Muscular dystrophy-dystroglycanopathy type B6. Last evaluated: 2022-08-16. Review status: criteria provided, single submitter. Criteria: Invitae Variant Classification Sherloc (09022015). Collection method: clinical testing. Allele origin: germline.
Comment: This sequence change replaces serine, which is neutral and polar, with asparagine, which is neutral and polar, at codon 555 of the LARGE1 protein (p.Ser555Asn). This variant is present in population databases (rs773148038, gnomAD 0.02%). This variant has not been reported in the literature in individuals affected with LARGE1-related conditions. ClinVar contains an entry for this variant (Variation ID: 1489263). Algorithms developed to predict the effect of missense changes on protein structure and function (SIFT, PolyPhen-2, Align-GVGD) all suggest that this variant is likely to be tolerated. In summary, the available evidence is currently insufficient to determine the role of this variant in disease. Therefore, it has been classified as a Variant of Uncertain Significance.

Revvity Omics, Revvity
Classification: Uncertain significance. Last evaluated: 2020-12-24. Review status: criteria provided, single submitter. Criteria: ACMG Guidelines, 2015. Collection method: clinical testing. Allele origin: germline.

NM_133642.5(LARGE1):c.1664G>A (p.Ser555Asn)

Gene: LARGE1 (LARGE xylosyl- and glucuronyltransferase 1; minus strand). Cytogenetic location: 22q12.3.
Variant type: single nucleotide variant.
Coding change: c.1664G>A on transcript NM_133642.5 (MANE Select); coding-DNA position 1664, G replaced by A.
Protein change: p.Ser555Asn; replaces serine 555 with asparagine.
Molecular consequence: missense variant.
Genome position (GRCh38, 1-based): chr22:33,304,295, C>T on the plus strand (G>A on the coding strand, the complement: LARGE1 is on the minus strand). VCF-style: chr22-33304295-C-T. GRCh37 (hg19) VCF-style: chr22-33700281-C-T.
Other names: c.1664G>A, p.Ser555Asn (NM_001362949.2, NM_001362951.2, NM_001362953.2 and 6 more transcripts); c.1508G>A, p.Ser503Asn (NM_001378629.1); c.1061G>A, p.Ser354Asn (NM_001378630.1); c.905G>A, p.Ser302Asn (NM_001378631.1); c.1664G>A (NM_004737.6); short protein forms S503N, S555N, S302N, S354N.
Identifiers: ClinVar variation 1489263 (VCV001489263.4), dbSNP rs773148038, ClinGen allele CA10202687.